The following is an entry in ClinVar:

ClinVar aggregate classification (germline): Uncertain significance (1 of 4 stars; one submission).

Conditions:
Autosomal recessive limb-girdle muscular dystrophy type 2O. Also called: Limb-Girdle Muscular Dystrophy Type 3C; MUSCULAR DYSTROPHY-DYSTROGLYCANOPATHY (LIMB-GIRDLE), TYPE C, 3; MUSCULAR DYSTROPHY-DYSTROGLYCANOPATHY, LIMB-GIRDLE, POMGNT1-RELATED. Identifiers: Orphanet 206564, MedGen C3150417, MONDO:0013161, OMIM 613157.
Muscular dystrophy-dystroglycanopathy (congenital with impaired intellectual development), type B, 3. Also called: MUSCULAR DYSTROPHY, CONGENITAL, POMGNT1-RELATED; Muscular dystrophy-dystroglycanopathy (congenital with intellectual disability), type B3. Identifiers: MedGen C3150412, MONDO:0013155, OMIM 613151.

Allele frequency attached by ClinVar (database versions not stated): TOPMed 0.00001.

Submission:

Labcorp Genetics (formerly Invitae), Labcorp
Classification: Uncertain significance for Autosomal recessive limb-girdle muscular dystrophy type 2O; Muscular dystrophy-dystroglycanopathy (congenital with impaired intellectual development), type B, 3. Last evaluated: 2022-03-17. Review status: criteria provided, single submitter. Criteria: Invitae Variant Classification Sherloc (09022015). Collection method: clinical testing. Allele origin: germline.
Comment: This variant has not been reported in the literature in individuals affected with POMGNT1-related conditions. This variant is not present in population databases (gnomAD no frequency). This sequence change replaces alanine, which is neutral and non-polar, with threonine, which is neutral and polar, at codon 34 of the POMGNT1 protein (p.Ala34Thr). ClinVar contains an entry for this variant (Variation ID: 1015014). In summary, the available evidence is currently insufficient to determine the role of this variant in disease. Therefore, it has been classified as a Variant of Uncertain Significance. Advanced modeling of protein sequence and biophysical properties (such as structural, functional, and spatial information, amino acid conservation, physicochemical variation, residue mobility, and thermodynamic stability) performed at Invitae indicates that this missense variant is not expected to disrupt POMGNT1 protein function.

NM_017739.4(POMGNT1):c.100G>A (p.Ala34Thr)

Gene: POMGNT1 (protein O-linked mannose N-acetylglucosaminyltransferase 1 (beta 1,2-); minus strand). Cytogenetic location: 1p34.1.
Variant type: single nucleotide variant.
Coding change: c.100G>A on transcript NM_017739.4 (MANE Select); coding-DNA position 100, G replaced by A.
Protein change: p.Ala34Thr; replaces alanine 34 with threonine.
Molecular consequence: missense variant.
Genome position (GRCh38, 1-based): chr1:46,197,722, C>T on the plus strand (G>A on the coding strand, the complement: POMGNT1 is on the minus strand). VCF-style: chr1-46197722-C-T. GRCh37 (hg19) VCF-style: chr1-46663394-C-T.
Other names: c.100G>A, p.Ala34Thr (NM_001243766.2); short protein forms A34T.
Identifiers: ClinVar variation 1015014 (VCV001015014.9), dbSNP rs1658356810, ClinGen allele CA340192663.